The following is an entry in ClinVar:

ClinVar aggregate classification (germline): Pathogenic (1 of 4 stars; one submission).

Conditions:
Maple syrup urine disease (MSUD). Identifiers: Orphanet 511, MedGen C0024776, MeSH D008375, MONDO:0009563. Disease mechanism: loss of function.

Submission:

Labcorp Genetics (formerly Invitae), Labcorp
Classification: Pathogenic for Maple syrup urine disease. Last evaluated: 2023-06-17. Review status: criteria provided, single submitter. Criteria: Invitae Variant Classification Sherloc (09022015). Collection method: clinical testing. Allele origin: germline.
Comment: For these reasons, this variant has been classified as Pathogenic. ClinVar contains an entry for this variant (Variation ID: 1072285). This variant has not been reported in the literature in individuals affected with BCKDHB-related conditions. This variant is not present in population databases (gnomAD no frequency). This sequence change creates a premature translational stop signal (p.Ser79Hisfs*9) in the BCKDHB gene. It is expected to result in an absent or disrupted protein product. Loss-of-function variants in BCKDHB are known to be pathogenic (PMID: 16786533, 22593002).

Literature cited by the submitters: PubMed 16786533; PubMed 22593002.

NM_183050.4(BCKDHB):c.234_249del (p.Ser79fs)

Gene: BCKDHB (branched chain keto acid dehydrogenase E1 subunit beta; plus strand). Cytogenetic location: 6q14.1.
Variant type: Deletion.
Coding change: c.234_249del on transcript NM_183050.4 (MANE Select); coding-DNA positions 234 to 249, 16 bases deleted (AAGTGCCTTGGATAAC).
Protein change: p.Ser79fs; shifts the reading frame from serine 79.
Molecular consequence: frameshift variant. On other transcripts: non-coding transcript variant (1).
Genome position (GRCh38, 1-based): chr6:80,127,584-80,127,599, AAGTGCCTTGGATAAC deleted; deleting any 16 consecutive bases within chr6:80,127,580-80,127,599 gives the same sequence; the c. name uses the placement nearest the transcript's 3' end. VCF-style (leftmost placement, unchanged base first): chr6-80127579-GTAACAAGTGCCTTGGA-G. GRCh37 (hg19) VCF-style: chr6-80837296-GTAACAAGTGCCTTGGA-G.
Other names: c.234_249del, p.Ser79fs (NM_000056.5); c.24_39del, p.Ser9fs (NM_001318975.1); short protein forms S79fs, S9fs.
Identifiers: ClinVar variation 1072285 (VCV001072285.8), dbSNP rs2127726128, ClinGen allele CA2499218581.